The following is an entry in ClinVar:

NM_005585.5(SMAD6):c.1207T>A (p.Tyr403Asn)

Gene: SMAD6 (SMAD family member 6; plus strand). Cytogenetic location: 15q22.31.
Variant type: single nucleotide variant.
Coding change: c.1207T>A on transcript NM_005585.5 (MANE Select); coding-DNA position 1207, T replaced by A.
Protein change: p.Tyr403Asn; replaces tyrosine 403 with asparagine.
Molecular consequence: missense variant. On other transcripts: non-coding transcript variant (1).
Genome position (GRCh38, 1-based): chr15:66,781,251, T>A. VCF-style: chr15-66781251-T-A. GRCh37 (hg19) VCF-style: chr15-67073589-T-A.
Other names: short protein forms Y403N.
Identifiers: ClinVar variation 2446145 (VCV002446145.2), dbSNP rs1287454405, ClinGen allele CA393202084.
Genomic context (GRCh38, chr15:66,781,251, plus strand): 5'-ACGCGCAGCAAGATCGGCTTCGGCATCCTGCTCAGCAAGGAGCCCGACGGCGTGTGGGCC[T>A]ACAACCGCGGCGAGCACCCCATCTTCGTCAACTCCCCGACGCTGGACGCGCCCGGCGGCC-3'
Protein context (NP_005576.3, residues 393-413): LSKEPDGVWA[Tyr403Asn]NRGEHPIFVN

ClinVar aggregate classification (germline): Uncertain significance (1 of 4 stars; one submission).

gnomAD v4.1: 1 of 1,608,420 alleles (0.000062%); no homozygotes.

Submission:

GeneDx
Classification: Uncertain significance. Last evaluated: 2025-10-05. Review status: criteria provided, single submitter. Criteria: GeneDx Variant Classification Process June 2021. Collection method: clinical testing. Allele origin: germline.
Comment: Not observed at significant frequency in large population cohorts (gnomAD); In silico analysis supports that this missense variant has a deleterious effect on protein structure/function; Has not been previously published as pathogenic or benign to our knowledge